The following is an entry in ClinVar:

NM_000091.5(COL4A3):c.962G>C (p.Gly321Ala)

Genes: MFF-DT (MFF divergent transcript; minus strand), COL4A3 (collagen type IV alpha 3 chain; plus strand). Cytogenetic location: 2q36.3.
Variant type: single nucleotide variant.
Coding change: c.962G>C on transcript NM_000091.5 (MANE Select); coding-DNA position 962, G replaced by C.
Protein change: p.Gly321Ala; replaces glycine 321 with alanine.
Molecular consequence: missense variant.
Genome position (GRCh38, 1-based): chr2:227,256,371, G>C. VCF-style: chr2-227256371-G-C. GRCh37 (hg19) VCF-style: chr2-228121087-G-C.
Other names: short protein forms G321A.
Identifiers: ClinVar variation 3370320 (VCV003370320.4).
Genomic context (GRCh38, chr2:227,256,371, plus strand): 5'-TCTGACCCATTTCTTTTTGTTCTTTTCTTTAGGGAGTCAAGGGCAACAGGGGTTTCCCTG[G>C]GTTAATGGGTGAAGATGGCATTAAGGTAATCCTCTCCCTAATAGCCTATTTTAATAGGTT-3'
Protein context (NP_000082.2, residues 311-331): EGVKGNRGFP[Gly321Ala]LMGEDGIKGQ

ClinVar aggregate classification (germline): Likely pathogenic. Review status: criteria provided, multiple submitters, no conflicts (2 of 4 stars). 2 submissions from 2 submitters: Likely pathogenic (2). Last evaluated 2024-10-30.

Conditions:
Autosomal dominant Alport syndrome (ATS3A). Also called: Alport syndrome dominant type; Renal failure and sensorineural hearing loss; ALPORT SYNDROME 3A, AUTOSOMAL DOMINANT. Identifiers: Orphanet 63, Orphanet 88918, MedGen C5882663, MONDO:0007086, OMIM 104200.

Submissions (2):

Institute of Human Genetics, University of Leipzig Medical Center
Classification: Likely pathogenic for Autosomal dominant Alport syndrome. Last evaluated: 2024-10-30. Review status: criteria provided, single submitter. Criteria: ACMG Guidelines, 2015. Collection method: clinical testing. Allele origin: unknown. Inheritance: Autosomal dominant inheritance. Affected: yes.
Comment: Criteria applied: PM1_STR,PM2,PP3

MVZ Medizinische Genetik Mainz
Classification: Likely pathogenic for Autosomal dominant Alport syndrome. Last evaluated: 2024-09-10. Review status: criteria provided, single submitter. Criteria: UK Practice Guidelines For Variant Classification V4 01 2020. Collection method: clinical testing. Allele origin: germline. Inheritance: Autosomal dominant inheritance. Affected: yes. Observed: 1 variant allele.
Comment: ACMG Criteria: PM1_STR,PP3_MOD,PM2_SUP,PP4